The following is an entry in ClinVar:

ClinVar aggregate classification (germline): Likely benign. Review status: criteria provided, multiple submitters, no conflicts (2 of 4 stars). 3 submissions from 3 submitters: Likely benign (3). Last evaluated 2025-01-30.

Conditions:
Arrhythmogenic cardiomyopathy with wooly hair and keratoderma. Also called: PALMOPLANTAR KERATODERMA WITH LEFT VENTRICULAR CARDIOMYOPATHY AND WOOLLY HAIR; Carvajal syndrome; Dilated cardiomyopathy with woolly hair and keratoderma; Arrhythmogenic cardiomyopathy with woolly hair and keratoderma. Identifiers: Orphanet 65282, MedGen C1854063, MONDO:0011581, OMIM 605676.
Arrhythmogenic right ventricular dysplasia 8 (ARVD8). Also called: ARRHYTHMOGENIC RIGHT VENTRICULAR DYSPLASIA, FAMILIAL, 8; ARRHYTHMOGENIC RIGHT VENTRICULAR CARDIOMYOPATHY 8; Arrhythmogenic Right Ventricular Dysplasia/Cardiomyopathy 8. Identifiers: MedGen C1843896, MONDO:0011831, OMIM 607450.
Cardiomyopathy (CMYO). Also called: Cardiomyopathies. Identifiers: Orphanet 167848, MedGen C0878544, MONDO:0004994, HP:0001638. Inheritance: Various modes of inheritance.

Allele frequency attached by ClinVar (database versions not stated): TOPMed 0.00002.
gnomAD v4.1: 2 of 1,613,932 alleles (0.00012%); highest among the groups gnomAD compares: Admixed American, 0.0033%; no homozygotes.

Submissions (3):

Labcorp Genetics (formerly Invitae), Labcorp
Classification: Likely benign for Arrhythmogenic cardiomyopathy with wooly hair and keratoderma; Arrhythmogenic right ventricular dysplasia 8. Last evaluated: 2025-01-30. Review status: criteria provided, single submitter. Criteria: Invitae Variant Classification Sherloc (09022015). Collection method: clinical testing. Allele origin: germline.

All of Us Research Program, National Institutes of Health
Classification: Likely benign for Arrhythmogenic cardiomyopathy with wooly hair and keratoderma. Last evaluated: 2023-12-18. Review status: criteria provided, single submitter. Criteria: ACMG Guidelines, 2015. Collection method: clinical testing. Allele origin: germline. Inheritance: Autosomal dominant inheritance. Observed: 1 variant allele, 1 heterozygote.
Comment: This study involves interpretation of variants in research participants for the purpose of population health screening. Participant phenotype was not available at the time of variant classification. Additional details can be found in publication PMID: 35346344, PMCID: PMC8962531

Color Diagnostics, LLC DBA Color Health
Classification: Likely benign for Cardiomyopathy. Last evaluated: 2018-10-25. Review status: criteria provided, single submitter. Criteria: ACMG Guidelines, 2015. Collection method: clinical testing. Allele origin: germline.

NM_004415.4(DSP):c.778-6G>T

Gene: DSP (desmoplakin; plus strand). Cytogenetic location: 6p24.3.
Variant type: single nucleotide variant.
Coding change: c.778-6G>T on transcript NM_004415.4 (MANE Select); 6 bases into the intron before coding-DNA position 778, G replaced by T.
Molecular consequence: intron variant.
Genome position (GRCh38, 1-based): chr6:7,565,353, G>T. VCF-style: chr6-7565353-G-T. GRCh37 (hg19) VCF-style: chr6-7565586-G-T.
Other names: c.778-6G>T (LRG_423t1, NM_001319034.2, NM_001008844.3).
Identifiers: ClinVar variation 629825 (VCV000629825.5), dbSNP rs1561685227, ClinGen allele CA913188212.
Genomic context (GRCh38, chr6:7,565,353, plus strand): 5'-AACCTGCAGAGAACACCAGTCACTGCATATTGTTATTTTAATGCTGCCTTTGAACCTCCT[G>T]TGCAGAAAGCGTCCTTTGAGAGGATGGATCACCTGCGACAGCTGCAGAACATCATTCAGG-3'